The following is an entry in ClinVar:

NM_025144.4(ALPK1):c.3323T>C (p.Ile1108Thr)

Gene: ALPK1 (alpha kinase 1; plus strand). Cytogenetic location: 4q25.
Variant type: single nucleotide variant.
Coding change: c.3323T>C on transcript NM_025144.4 (MANE Select); coding-DNA position 3323, T replaced by C.
Protein change: p.Ile1108Thr; replaces isoleucine 1108 with threonine.
Molecular consequence: missense variant.
Genome position (GRCh38, 1-based): chr4:112,438,618, T>C. VCF-style: chr4-112438618-T-C. GRCh37 (hg19) VCF-style: chr4-113359774-T-C.
Other names: c.3323T>C (NM_025144.3); c.3323T>C, p.Ile1108Thr (NM_001102406.2); c.3089T>C, p.Ile1030Thr (NM_001253884.2); short protein forms I1108T, I1030T.
Identifiers: ClinVar variation 3014506 (VCV003014506.4), dbSNP rs764058677, ClinGen allele CA3047140.

ClinVar aggregate classification (germline): Uncertain significance. Review status: criteria provided, multiple submitters, no conflicts (2 of 4 stars). 2 submissions from 2 submitters: Uncertain significance (2). Last evaluated 2024-05-10.

Conditions:
Inborn genetic diseases. Identifiers: MedGen C0950123, MeSH D030342.

Allele frequency attached by ClinVar (database versions not stated): gnomAD exomes below 0.00001; ExAC 0.00002; TOPMed 0.00002.
gnomAD v4.1: 3 of 1,613,762 alleles (0.00019%); highest among the groups gnomAD compares: East Asian, 0.0045%; no homozygotes.

Submissions (2):

Labcorp Genetics (formerly Invitae), Labcorp
Classification: Uncertain significance. Last evaluated: 2024-05-10. Review status: criteria provided, single submitter. Criteria: Invitae Variant Classification Sherloc (09022015). Collection method: clinical testing. Allele origin: germline.
Comment: This sequence change replaces isoleucine, which is neutral and non-polar, with threonine, which is neutral and polar, at codon 1108 of the ALPK1 protein (p.Ile1108Thr). This variant is present in population databases (rs764058677, gnomAD 0.01%). This variant has not been reported in the literature in individuals affected with ALPK1-related conditions. Advanced modeling of protein sequence and biophysical properties (such as structural, functional, and spatial information, amino acid conservation, physicochemical variation, residue mobility, and thermodynamic stability) performed at Invitae indicates that this missense variant is expected to disrupt ALPK1 protein function with a positive predictive value of 80%. In summary, the available evidence is currently insufficient to determine the role of this variant in disease. Therefore, it has been classified as a Variant of Uncertain Significance.

Ambry Genetics
Classification: Uncertain significance for Inborn genetic diseases. Last evaluated: 2024-03-15. Review status: criteria provided, single submitter. Criteria: Ambry Variant Classification Scheme 2023. Collection method: clinical testing. Allele origin: germline.